The following is an entry in ClinVar:

ClinVar aggregate classification (germline): Uncertain significance (1 of 4 stars; one submission).

Conditions:
Cardiovascular phenotype. Identifiers: MedGen CN230736.

Submission:

Ambry Genetics
Classification: Uncertain significance for Cardiovascular phenotype. Last evaluated: 2025-05-31. Review status: criteria provided, single submitter. Criteria: Ambry Variant Classification Scheme 2023. Collection method: clinical testing. Allele origin: germline.
Comment: The p.D156V variant (also known as c.467A>T), located in coding exon 4 of the PTPN11 gene, results from an A to T substitution at nucleotide position 467. The aspartic acid at codon 156 is replaced by valine, an amino acid with highly dissimilar properties. This amino acid position is conserved. In addition, this alteration is predicted to be deleterious by in silico analysis. Based on the available evidence, the clinical significance of this variant remains unclear.

NM_002834.5(PTPN11):c.467A>T (p.Asp156Val)

Gene: PTPN11 (protein tyrosine phosphatase non-receptor type 11; plus strand). Cytogenetic location: 12q24.13.
Variant type: single nucleotide variant.
Coding change: c.467A>T on transcript NM_002834.5 (MANE Select); coding-DNA position 467, A replaced by T.
Protein change: p.Asp156Val; replaces aspartic acid 156 with valine.
Molecular consequence: missense variant.
Genome position (GRCh38, 1-based): chr12:112,453,329, A>T. VCF-style: chr12-112453329-A-T. GRCh37 (hg19) VCF-style: chr12-112891133-A-T.
Other names: c.467A>T, p.Asp156Val (NM_001330437.2, NM_080601.3); c.464A>T, p.Asp155Val (NM_001374625.1); short protein forms D155V, D156V.
Identifiers: ClinVar variation 3940432 (VCV003940432.1).